The following is an entry in ClinVar:

NM_145331.3(MAP3K7):c.1428T>A (p.Thr476=)

Gene: MAP3K7 (mitogen-activated protein kinase kinase kinase 7; minus strand). Cytogenetic location: 6q15.
Variant type: single nucleotide variant.
Coding change: c.1428T>A on transcript NM_145331.3 (MANE Select); coding-DNA position 1428, T replaced by A.
Protein change: p.Thr476=; no amino-acid change (threonine 476 retained).
Molecular consequence: synonymous variant.
Genome position (GRCh38, 1-based): chr6:90,523,712, A>T on the plus strand (T>A on the coding strand, the complement: MAP3K7 is on the minus strand). VCF-style: chr6-90523712-A-T. GRCh37 (hg19) VCF-style: chr6-91233431-A-T.
Other names: c.1347T>A, p.Thr449= (NM_003188.4, NM_145333.3); c.1428T>A, p.Thr476= (NM_145332.3).
Identifiers: ClinVar variation 724228 (VCV000724228.13), dbSNP rs141644226, ClinGen allele CA3928357.

ClinVar aggregate classification (germline): Likely benign. Review status: criteria provided, multiple submitters, no conflicts (2 of 4 stars). 4 submissions from 4 submitters: Likely benign (3). 1 of the submissions does not count toward it. Last evaluated 2026-09-01.

Conditions:
MAP3K7-related disorder.

Allele frequency attached by ClinVar (database versions not stated): TOPMed 0.00019; 1000 Genomes Project 0.00020; gnomAD 0.00021 and 0.00019; gnomAD exomes 0.00023 and 0.00016; 1000 Genomes Project 30x 0.00031; ExAC 0.00012; ESP Exome Variant Server 0.00015.
gnomAD v4.1: 352 of 1,613,566 alleles (0.022%); highest among the groups gnomAD compares: Non-Finnish European, 0.029%; no homozygotes.

Submissions (4):

CeGaT Center for Human Genetics Tuebingen
Classification: Likely benign. Last evaluated: 2026-09-01. Review status: criteria provided, single submitter. Criteria: CeGaT Center For Human Genetics Tuebingen Variant Classification Criteria Version 2. Collection method: clinical testing. Allele origin: germline. Affected: yes. Observed: 1 variant allele.
Comment: MAP3K7: BP4, BP7

Labcorp Genetics (formerly Invitae), Labcorp
Classification: Likely benign. Last evaluated: 2025-08-08. Review status: criteria provided, single submitter. Criteria: Invitae Variant Classification Sherloc (09022015). Collection method: clinical testing. Allele origin: germline.

Breakthrough Genomics
Classification: Likely benign. Review status: criteria provided, single submitter. Criteria: ACMG Guidelines, 2015. Collection method: not provided. Allele origin: germline. Inheritance: Autosomal dominant inheritance. Affected: yes.

PreventionGenetics, part of Exact Sciences
Classification: Likely benign for MAP3K7-related condition. Last evaluated: 2019-07-11. Review status: no assertion criteria provided. Collection method: clinical testing. Allele origin: germline. Not counted in ClinVar's aggregate classification.
Comment: This variant is classified as likely benign based on ACMG/AMP sequence variant interpretation guidelines (Richards et al. 2015 PMID: 25741868, with internal and published modifications).